The following is an entry in ClinVar:

NM_001165963.4(SCN1A):c.4002+2336G>A

Genes: SCN1A (sodium voltage-gated channel alpha subunit 1; minus strand), LOC102724058 (uncharacterized LOC102724058; plus strand). Cytogenetic location: 2q24.3.
Variant type: single nucleotide variant.
Coding change: c.4002+2336G>A on transcript NM_001165963.4 (MANE Select); 2336 bases into the intron after coding-DNA position 4002, G replaced by A.
Molecular consequence: intron variant.
Genome position (GRCh38, 1-based): chr2:166,007,383, C>T on the plus strand (G>A on the coding strand, the complement: SCN1A is on the minus strand). VCF-style: chr2-166007383-C-T. GRCh37 (hg19) VCF-style: chr2-166863893-C-T.
Other names: c.3969+2336G>A (NM_001353949.2, NM_001353950.2, NM_001353951.2 and 2 more transcripts); c.3918+2336G>A (NM_001353958.2, NM_001353957.2, NM_001165964.3); c.4002+2336G>A (NM_001202435.3, NM_001353948.2); c.3966+2336G>A (NM_001353955.2, NM_001353954.2); c.3915+2336G>A (NM_001353960.2); c.1560+2336G>A (NM_001353961.2).
Identifiers: ClinVar variation 1644348 (VCV001644348.9), dbSNP rs147529489, ClinGen allele CA59771598.
Genomic context (GRCh38, chr2:166,007,383, plus strand): 5'-ATTAGTTAGAAATCTGATATGACAGAACATTTGGTGTTACTTTTTGTTCATGATGCTCTC[C>T]GTCTGTTTCCCTATCCATTAAGACTTGAGTTCTTTTGAAAAAGAAGGTATTTAAGATTTC-3'

ClinVar aggregate classification (germline): Uncertain significance (1 of 4 stars; one submission).

Conditions:
Early-infantile DEE. Also called: Ohtahara syndrome; Early infantile epileptic encephalopathy with suppression bursts; Early infantile epileptic encephalopathy. Identifiers: Orphanet 1934, MedGen C0393706, MONDO:0800491.

Allele frequency attached by ClinVar (database versions not stated): gnomAD 0.00001; TOPMed 0.00003; 1000 Genomes Project 30x 0.00016; 1000 Genomes Project 0.00020.

Submission:

Labcorp Genetics (formerly Invitae), Labcorp
Classification: Uncertain significance for Early-infantile DEE. Last evaluated: 2025-07-28. Review status: criteria provided, single submitter. Criteria: Invitae Variant Classification Sherloc (09022015). Collection method: clinical testing. Allele origin: germline.
Comment: This sequence change falls in intron 20 of the SCN1A gene. It does not directly change the encoded amino acid sequence of the SCN1A protein. However, this sequence change falls within a region encompassing a cryptic exon in the SCN1A gene, in which variants have been shown to alter splicing (PMID: 30526861, 34107977). This variant is not present in population databases (gnomAD no frequency). This variant has been observed in individual(s) with clinical features of developmental and epileptic encephalopathy (internal data). ClinVar contains an entry for this variant (Variation ID: 1644348). Algorithms developed to predict the effect of sequence changes on RNA splicing suggest that this variant is not likely to affect RNA splicing. In summary, the available evidence is currently insufficient to determine the role of this variant in disease. Therefore, it has been classified as a Variant of Uncertain Significance.

Literature cited by the submitters: PubMed 30526861; PubMed 34107977.